The following is an entry in ClinVar:

ClinVar aggregate classification (germline): Uncertain significance (1 of 4 stars; one submission).

gnomAD v4.1: 1 of 1,614,166 alleles (0.000062%); highest among the groups gnomAD compares: Middle Eastern, 0.017%; no homozygotes.

Submission:

CeGaT Center for Human Genetics Tuebingen
Classification: Uncertain significance. Last evaluated: 2024-03-01. Review status: criteria provided, single submitter. Criteria: CeGaT Center For Human Genetics Tuebingen Variant Classification Criteria Version 2. Collection method: clinical testing. Allele origin: germline. Affected: yes. Observed: 1 variant allele.
Comment: KAT6A: PM1, PM2, PP2, BP4

NM_006766.5(KAT6A):c.2283G>C (p.Gln761His)

Gene: KAT6A (lysine acetyltransferase 6A; minus strand). Cytogenetic location: 8p11.21.
Variant type: single nucleotide variant.
Coding change: c.2283G>C on transcript NM_006766.5 (MANE Select); coding-DNA position 2283, G replaced by C.
Protein change: p.Gln761His; replaces glutamine 761 with histidine.
Molecular consequence: missense variant.
Genome position (GRCh38, 1-based): chr8:41,942,946, C>G on the plus strand (G>C on the coding strand, the complement: KAT6A is on the minus strand). VCF-style: chr8-41942946-C-G. GRCh37 (hg19) VCF-style: chr8-41800464-C-G.
Other names: c.2283G>C, p.Gln761His (NM_001305878.2); short protein forms Q761H.
Identifiers: ClinVar variation 3067483 (VCV003067483.21), dbSNP rs1822211297, ClinGen allele CA371072809.